The following is an entry in ClinVar:

NM_020987.5(ANK3):c.11540T>C (p.Leu3847Pro)

Gene: ANK3 (ankyrin 3; minus strand). Cytogenetic location: 10q21.2.
Variant type: single nucleotide variant.
Coding change: c.11540T>C on transcript NM_020987.5 (MANE Select); coding-DNA position 11540, T replaced by C.
Protein change: p.Leu3847Pro; replaces leucine 3847 with proline.
Molecular consequence: missense variant. On other transcripts: intron variant (4).
Genome position (GRCh38, 1-based): chr10:60,069,341, A>G on the plus strand (T>C on the coding strand, the complement: ANK3 is on the minus strand). VCF-style: chr10-60069341-A-G. GRCh37 (hg19) VCF-style: chr10-61829099-A-G.
Other names: c.11540T>C (NM_020987.3); c.4388-1332T>C (NM_001204403.2); c.4409-1332T>C (NM_001204404.2); c.4406-1332T>C (NM_001320874.2); c.1808-1332T>C (NM_001149.4); short protein forms L3847P.
Identifiers: ClinVar variation 3017590 (VCV003017590.4), dbSNP rs763166610, ClinGen allele CA5511080.
Genomic context (GRCh38, chr10:60,069,341, plus strand): 5'-ATGGGAAGTTTGGATTTTTGCCTAATCCCTATCAATTCCTTTGTTTTTTGCTGTTCTCCA[A>G]GAACTTTCTGCTTATCTCTTACACAGTGTCCTTGTAGTACCCCTGTCTTTTTTCCTGATG-3'
Protein context (NP_066267.2, residues 3837-3857): GHCVRDKQKV[Leu3847Pro]GEQQKTKELI

ClinVar aggregate classification (germline): Uncertain significance. Review status: criteria provided, multiple submitters, no conflicts (2 of 4 stars). 2 submissions from 2 submitters: Uncertain significance (2). Last evaluated 2025-12-11.

Conditions:
Inborn genetic diseases. Identifiers: MedGen C0950123, MeSH D030342.

Allele frequency attached by ClinVar (database versions not stated): ExAC 0.00001; gnomAD 0.00001; gnomAD exomes 0.00002; TOPMed 0.00002.
gnomAD v4.1: 24 of 1,613,974 alleles (0.0015%); highest among the groups gnomAD compares: Non-Finnish European, 0.0019%; no homozygotes.

Submissions (2):

Ambry Genetics
Classification: Uncertain significance for Inborn genetic diseases. Last evaluated: 2025-12-11. Review status: criteria provided, single submitter. Criteria: Ambry Variant Classification Scheme 2023. Collection method: clinical testing. Allele origin: germline.

Labcorp Genetics (formerly Invitae), Labcorp
Classification: Uncertain significance. Last evaluated: 2023-06-14. Review status: criteria provided, single submitter. Criteria: Invitae Variant Classification Sherloc (09022015). Collection method: clinical testing. Allele origin: germline.
Comment: This sequence change replaces leucine, which is neutral and non-polar, with proline, which is neutral and non-polar, at codon 3847 of the ANK3 protein (p.Leu3847Pro). This variant is present in population databases (rs763166610, gnomAD 0.004%). This variant has not been reported in the literature in individuals affected with ANK3-related conditions. Algorithms developed to predict the effect of missense changes on protein structure and function output the following: SIFT: "Not Available"; PolyPhen-2: "Benign"; Align-GVGD: "Not Available". The proline amino acid residue is found in multiple mammalian species, which suggests that this missense change does not adversely affect protein function. In summary, the available evidence is currently insufficient to determine the role of this variant in disease. Therefore, it has been classified as a Variant of Uncertain Significance.